The following is an entry in ClinVar:

NM_014795.4(ZEB2):c.1161dup (p.Leu388fs)

Gene: ZEB2 (zinc finger E-box binding homeobox 2; minus strand). Cytogenetic location: 2q22.3.
Variant type: Duplication.
Coding change: c.1161dup on transcript NM_014795.4 (MANE Select); coding-DNA position 1161, one base duplicated (A; older notation c.1161dupA).
Protein change: p.Leu388fs; shifts the reading frame from leucine 388.
Molecular consequence: frameshift variant.
Genome position (GRCh38, 1-based): chr2:144,400,026, T duplicated on the plus strand (A on the coding strand, the reverse complement: ZEB2 is on the minus strand). VCF-style (leftmost placement, unchanged base first): chr2-144400025-G-GT. GRCh37 (hg19) VCF-style: chr2-145157592-G-GT.
Other names: c.1089dup, p.Leu364fs (NM_001171653.2); short protein forms L388fs, L364fs.
Identifiers: ClinVar variation 2754921 (VCV002754921.3), dbSNP rs2549107031, ClinGen allele CA2697551035.

ClinVar aggregate classification (germline): Pathogenic (1 of 4 stars; one submission).

Conditions:
Mowat-Wilson syndrome (MOWS). Also called: Classic Mowat-Wilson Syndrome. Identifiers: Orphanet 2152, MedGen C1856113, MONDO:0009341, OMIM 235730.

Submission:

Labcorp Genetics (formerly Invitae), Labcorp
Classification: Pathogenic for Mowat-Wilson syndrome. Last evaluated: 2023-08-24. Review status: criteria provided, single submitter. Criteria: Invitae Variant Classification Sherloc (09022015). Collection method: clinical testing. Allele origin: germline.
Comment: This sequence change creates a premature translational stop signal (p.Leu388Thrfs*2) in the ZEB2 gene. It is expected to result in an absent or disrupted protein product. Loss-of-function variants in ZEB2 are known to be pathogenic (PMID: 16053902). This variant is not present in population databases (gnomAD no frequency). This variant has not been reported in the literature in individuals affected with ZEB2-related conditions. For these reasons, this variant has been classified as Pathogenic.

Literature cited by the submitters: PubMed 16053902.